The following is an entry in ClinVar:

NM_001370785.2(LRRC7):c.3550C>T (p.Pro1184Ser)

Genes: LRRC7 (leucine rich repeat containing 7; plus strand), LRRC7-AS1 (LRRC7 antisense RNA 1; minus strand). Cytogenetic location: 1p31.1.
Variant type: single nucleotide variant.
Coding change: c.3550C>T on transcript NM_001370785.2 (MANE Select); coding-DNA position 3550, C replaced by T.
Protein change: p.Pro1184Ser; replaces proline 1184 with serine.
Molecular consequence: missense variant.
Genome position (GRCh38, 1-based): chr1:70,039,374, C>T. VCF-style: chr1-70039374-C-T. GRCh37 (hg19) VCF-style: chr1-70505057-C-T.
Other names: NM_020794.2:c.3436C>T; c.3451C>T, p.Pro1151Ser (NM_001330635.3, NM_001366841.1); c.3553C>T, p.Pro1185Ser (NM_001350216.3); c.3550C>T, p.Pro1184Ser (NM_001366838.3); c.3391C>T, p.Pro1131Ser (NM_001366839.3); short protein forms P1131S, P1185S, P1151S, P1184S.
Identifiers: ClinVar variation 2223373 (VCV002223373.7), dbSNP rs139513686, ClinGen allele CA904151.

ClinVar aggregate classification (germline): Conflicting classifications of pathogenicity. Review status: criteria provided, conflicting classifications (1 of 4 stars). 2 submissions from 2 submitters: Uncertain significance (1); Likely benign (1). Last evaluated 2026-01-01.

Allele frequency attached by ClinVar (database versions not stated): ESP Exome Variant Server 0.00031; TOPMed 0.00034; gnomAD 0.00035; gnomAD exomes 0.00046; ExAC 0.00022.
gnomAD v4.1: 728 of 1,613,906 alleles (0.045%); highest among the groups gnomAD compares: Non-Finnish European, 0.055%; no homozygotes.

Submissions (2):

CeGaT Center for Human Genetics Tuebingen
Classification: Likely benign. Last evaluated: 2026-01-01. Review status: criteria provided, single submitter. Criteria: CeGaT Center For Human Genetics Tuebingen Variant Classification Criteria Version 2. Collection method: clinical testing. Allele origin: germline. Affected: yes. Observed: 2 variant alleles.
Comment: LRRC7: BP4

Ambry Genetics
Classification: Uncertain significance. Last evaluated: 2024-11-25. Review status: criteria provided, single submitter. Criteria: Ambry Variant Classification Scheme 2023. Collection method: clinical testing. Allele origin: germline.